The following is an entry in ClinVar:

NM_170707.4(LMNA):c.162_163del (p.Asn56fs)

Gene: LMNA (lamin A/C; plus strand). Cytogenetic location: 1q22.
Variant type: Deletion.
Coding change: c.162_163del on transcript NM_170707.4 (MANE Select); coding-DNA positions 162 to 163, 2 bases deleted (GG; older notation c.162_163delGG).
Protein change: p.Asn56fs; shifts the reading frame from asparagine 56.
Molecular consequence: frameshift variant.
Genome position (GRCh38, 1-based): chr1:156,115,080-156,115,081, GG deleted. VCF-style (leftmost placement, unchanged base first): chr1-156115079-CGG-C. GRCh37 (hg19) VCF-style: chr1-156084870-CGG-C.
Other names: c.162_163del, p.Asn56fs (NM_001282625.2, NM_001282626.2, NM_005572.4 and 1 more transcripts); short protein forms N56fs.
Identifiers: ClinVar variation 245757 (VCV000245757.15), dbSNP rs879253932, ClinGen allele CA10584112.
Genomic context (GRCh38, chr1:156,115,079, plus strand): 5'-ACCTGCAGGAGCTCAATGATCGCTTGGCGGTCTACATCGACCGTGTGCGCTCGCTGGAAA[CGG>C]AGAACGCAGGGCTGCGCCTTCGCATCACCGAGTCTGAAGAGGTGGTCAGCCGCGAGGTGT-3'

ClinVar aggregate classification (germline): Pathogenic. Review status: criteria provided, multiple submitters, no conflicts (2 of 4 stars). 3 submissions from 3 submitters: Pathogenic (3). Last evaluated 2024-09-29.

Conditions:
Charcot-Marie-Tooth disease type 2. Also called: Charcot-Marie-Tooth type 2. Identifiers: Orphanet 64746, MedGen C0270914, MONDO:0018993.

Submissions (3):

Labcorp Genetics (formerly Invitae), Labcorp
Classification: Pathogenic for Charcot-Marie-Tooth disease type 2. Last evaluated: 2024-09-29. Review status: criteria provided, single submitter. Criteria: Invitae Variant Classification Sherloc (09022015). Collection method: clinical testing. Allele origin: germline.
Comment: This sequence change creates a premature translational stop signal (p.Asn56Argfs*11) in the LMNA gene. It is expected to result in an absent or disrupted protein product. Loss-of-function variants in LMNA are known to be pathogenic (PMID: 18585512, 18926329). This variant is not present in population databases (gnomAD no frequency). This premature translational stop signal has been observed in individual(s) with clinical features of LMNA-related conditions (PMID: 21520333). ClinVar contains an entry for this variant (Variation ID: 245757). For these reasons, this variant has been classified as Pathogenic.

Eurofins Ntd Llc (ga)
Classification: Pathogenic. Last evaluated: 2016-07-12. Review status: criteria provided, single submitter. Criteria: EGL Classification Definitions 2015. Collection method: clinical testing. Allele origin: germline. Observed: 1 variant allele, 1 heterozygote.

GeneDx
Classification: Pathogenic. Last evaluated: 2015-05-06. Review status: criteria provided, single submitter. Criteria: GeneDx Variant Classification (06012015). Collection method: clinical testing. Allele origin: germline. Affected: yes.
Comment: Although the c.162_163delGG variant in the LMNA gene has not been reported to our knowledge, this mutation causes a shift in reading frame starting at codon Asparagine 56, changing it to an Arginine, and creating a premature stop codon at position 11 of the new reading frame, denoted p.Asn56ArgfsX11. This variant is expected to result in either an abnormal, truncated protein product or loss of protein from this allele through nonsense-mediated mRNA decay. Other frameshift variants in the LMNA gene have been reported in the Human Gene Mutation Database in association with cardiomyopathy (Stenson P et al., 2014).In summary, c.162_163delGG in the LMNA gene is interpreted as a disease-causing variant

Literature cited by the submitters: PubMed 18585512 (cited by Labcorp Genetics (formerly Invitae), Labcorp); PubMed 18926329 (cited by Labcorp Genetics (formerly Invitae), Labcorp); PubMed 21520333 (cited by Labcorp Genetics (formerly Invitae), Labcorp).